The following is an entry in ClinVar:

ClinVar aggregate classification (germline): Uncertain significance (1 of 4 stars; one submission).

Conditions:
Hereditary factor IX deficiency disease (HEMB). Also called: Hemophilia B; F9 DEFICIENCY; FACTOR IX DEFICIENCY; PLASMA THROMBOPLASTIN COMPONENT DEFICIENCY; Christmas Disease. Identifiers: Orphanet 98879, MedGen C0008533, MeSH D002836, MONDO:0010604, OMIM 306900.

Submission:

Juno Genomics, Hangzhou Juno Genomics, Inc
Classification: Uncertain significance for Hereditary factor IX deficiency disease. Review status: criteria provided, single submitter. Criteria: ACMG Guidelines, 2015. Collection method: clinical testing. Allele origin: germline. Affected: yes.
Comment: Absent from controls (or at extremely low frequency if recessive) in Genome Aggregation Database.;Multiple lines of computational evidence support a deleterious effect on the gene or gene product.;Located in a mutational hot spot and/or critical and well-established functional domain without benign variation.

NM_000133.4(F9):c.289T>G (p.Cys97Gly)

Gene: F9 (coagulation factor IX; plus strand). Cytogenetic location: Xq27.1.
Variant type: single nucleotide variant.
Coding change: c.289T>G on transcript NM_000133.4 (MANE Select); coding-DNA position 289, T replaced by G.
Protein change: p.Cys97Gly; replaces cysteine 97 with glycine.
Molecular consequence: missense variant. On other transcripts: intron variant (1).
Genome position (GRCh38, 1-based): chrX:139,541,087, T>G. VCF-style: chrX-139541087-T-G. GRCh37 (hg19) VCF-style: chrX-138623246-T-G.
Other names: c.277+3701T>G (NM_001313913.2); short protein forms C97G.
Identifiers: ClinVar variation 5007690 (VCV005007690.1).